The following is an entry in ClinVar:

ClinVar aggregate classification (germline): Uncertain significance (1 of 4 stars; one submission).

Allele frequency attached by ClinVar (database versions not stated): gnomAD exomes below 0.00001; gnomAD 0.00001; TOPMed 0.00001.
gnomAD v4.1: 4 of 1,613,354 alleles (0.00025%); highest among the groups gnomAD compares: Admixed American, 0.005%; no homozygotes.

Submission:

Ambry Genetics
Classification: Uncertain significance. Last evaluated: 2022-04-03. Review status: criteria provided, single submitter. Criteria: Ambry Variant Classification Scheme 2023. Collection method: clinical testing. Allele origin: germline.
Comment: The p.E218D variant (also known as c.654A>T), located in coding exon 8 of the BUB1 gene, results from an A to T substitution at nucleotide position 654. The glutamic acid at codon 218 is replaced by aspartic acid, an amino acid with highly similar properties. This amino acid position is conserved. In addition, this alteration is predicted to be tolerated by in silico analysis. Since supporting evidence is limited at this time, the clinical significance of this alteration remains unclear.

NM_004336.5(BUB1):c.654A>T (p.Glu218Asp)

Gene: BUB1 (BUB1 mitotic checkpoint serine/threonine kinase; minus strand). Cytogenetic location: 2q13.
Variant type: single nucleotide variant.
Coding change: c.654A>T on transcript NM_004336.5 (MANE Select); coding-DNA position 654, A replaced by T.
Protein change: p.Glu218Asp; replaces glutamic acid 218 with aspartic acid.
Molecular consequence: missense variant.
Genome position (GRCh38, 1-based): chr2:110,667,672, T>A on the plus strand (A>T on the coding strand, the complement: BUB1 is on the minus strand). VCF-style: chr2-110667672-T-A. GRCh37 (hg19) VCF-style: chr2-111425249-T-A.
Other names: c.594A>T, p.Glu198Asp (NM_001278616.2); c.654A>T, p.Glu218Asp (NM_001278617.2); short protein forms E198D, E218D.
Identifiers: ClinVar variation 1754135 (VCV001754135.2), dbSNP rs1471985104, ClinGen allele CA348217999.